The following is an entry in ClinVar:

NM_000059.4(BRCA2):c.4498G>T (p.Gly1500Ter)

Gene: BRCA2 (BRCA2 DNA repair associated; plus strand). Cytogenetic location: 13q13.1.
Variant type: single nucleotide variant.
Coding change: c.4498G>T on transcript NM_000059.4 (MANE Select); coding-DNA position 4498, G replaced by T.
Protein change: p.Gly1500Ter; replaces glycine 1500 with a stop codon.
Molecular consequence: nonsense. On other transcripts: non-coding transcript variant (1), intron variant (2).
Genome position (GRCh38, 1-based): chr13:32,338,853, G>T. VCF-style: chr13-32338853-G-T. GRCh37 (hg19) VCF-style: chr13-32912990-G-T.
Other names: c.4498G>T, p.Gly1500Ter (NM_001406719.1, NM_001406720.1, NM_001432077.1); c.1909+5466G>T (NM_001406721.1); c.425-5705G>T (NM_001406722.1); short protein forms G1500*.
Identifiers: ClinVar variation 4086792 (VCV004086792.1).

ClinVar aggregate classification (germline): Likely pathogenic (1 of 4 stars; one submission).

Conditions:
Breast-ovarian cancer, familial, susceptibility to, 2 (BROVCA2). Also called: BRCA2 Hereditary Breast and Ovarian Cancer. Identifiers: Orphanet 145, MedGen C2675520, MONDO:0012933, OMIM 612555. Disease mechanism: loss of function.

Submission:

Medical Genetics Laboratory, Aydin Adnan Menderes University
Classification: Likely pathogenic for Breast-ovarian cancer, familial, susceptibility to, 2. Last evaluated: 2025-07-19. Review status: criteria provided, single submitter. Criteria: ACMG Guidelines, 2015. Collection method: clinical testing. Allele origin: germline. Inheritance: Autosomal dominant inheritance. Affected: yes. Observed: 1 heterozygote.
Comment: The BRCA2 c.4498G>T p.(Gly1500*) variant is a novel nonsense variant predicted to cause NMD. Given the well-established role of BRCA2 loss-of-function in in different types of cancer, and the absence of the variant in gnomAD, it is classified as likely pathogenic (PVS1, PM2).